The following is an entry in ClinVar:

NM_018706.7(DHTKD1):c.1223C>T (p.Ala408Val)

Gene: DHTKD1 (dehydrogenase E1 and transketolase domain containing 1; plus strand). Cytogenetic location: 10p14.
Variant type: single nucleotide variant.
Coding change: c.1223C>T on transcript NM_018706.7 (MANE Select); coding-DNA position 1223, C replaced by T.
Protein change: p.Ala408Val; replaces alanine 408 with valine.
Molecular consequence: missense variant.
Genome position (GRCh38, 1-based): chr10:12,094,136, C>T. VCF-style: chr10-12094136-C-T. GRCh37 (hg19) VCF-style: chr10-12136135-C-T.
Other names: short protein forms A408V.
Identifiers: ClinVar variation 580163 (VCV000580163.9), dbSNP rs1564392988, ClinGen allele CA376020150.

ClinVar aggregate classification (germline): Uncertain significance (1 of 4 stars; one submission).

Conditions:
2-aminoadipic 2-oxoadipic aciduria (AAKAD). Also called: ALPHA-AMINOADIPIC AND ALPHA-KETOADIPIC ACIDURIA; Aminoadipic aciduria. Identifiers: Orphanet 79154, MedGen C1859817, MONDO:0008774, OMIM 204750.

Allele frequency attached by ClinVar (database versions not stated): TOPMed below 0.00001.

Submission:

Labcorp Genetics (formerly Invitae), Labcorp
Classification: Uncertain significance for 2-aminoadipic 2-oxoadipic aciduria. Last evaluated: 2022-08-09. Review status: criteria provided, single submitter. Criteria: Invitae Variant Classification Sherloc (09022015). Collection method: clinical testing. Allele origin: germline.
Comment: This sequence change replaces alanine, which is neutral and non-polar, with valine, which is neutral and non-polar, at codon 408 of the DHTKD1 protein (p.Ala408Val). In summary, the available evidence is currently insufficient to determine the role of this variant in disease. Therefore, it has been classified as a Variant of Uncertain Significance. Algorithms developed to predict the effect of missense changes on protein structure and function are either unavailable or do not agree on the potential impact of this missense change (SIFT: "Tolerated"; PolyPhen-2: "Possibly Damaging"; Align-GVGD: "Class C0"). ClinVar contains an entry for this variant (Variation ID: 580163). This variant has not been reported in the literature in individuals affected with DHTKD1-related conditions. This variant is not present in population databases (gnomAD no frequency).